The following is an entry in ClinVar:

ClinVar aggregate classification (germline): Pathogenic. Review status: criteria provided, multiple submitters, no conflicts (2 of 4 stars). 2 submissions from 2 submitters: Pathogenic (2). Last evaluated 2024-11-15.

Conditions:
Hereditary cancer-predisposing syndrome. Also called: Neoplastic Syndromes, Hereditary; Tumor predisposition; Hereditary Cancer Syndrome; Hereditary neoplastic syndrome. Identifiers: Orphanet 140162, MedGen C0027672, MeSH D009386, MONDO:0015356.
Familial adenomatous polyposis 1 (FAP1). Also called: FAMILIAL ADENOMATOUS POLYPOSIS 1, ATTENUATED; POLYPOSIS, ADENOMATOUS INTESTINAL. Identifiers: MedGen C2713442, MONDO:0021056, OMIM 175100. Disease mechanism: loss of function.

Submissions (2):

Ambry Genetics
Classification: Pathogenic for Hereditary cancer-predisposing syndrome. Last evaluated: 2024-11-15. Review status: criteria provided, single submitter. Criteria: Ambry Variant Classification Scheme 2023. Collection method: clinical testing. Allele origin: germline.
Comment: The c.1141delG pathogenic mutation, located in coding exon 9 of the APC gene, results from a deletion of one nucleotide at nucleotide position 1141, causing a translational frameshift with a predicted alternate stop codon (p.A381Pfs*73). This variant is considered to be rare based on population cohorts in the Genome Aggregation Database (gnomAD). This alteration is expected to result in loss of function by premature protein truncation or nonsense-mediated mRNA decay. As such, this alteration is interpreted as a disease-causing mutation.

Myriad Genetics, Inc.
Classification: Pathogenic for Familial adenomatous polyposis 1. Last evaluated: 2023-04-28. Review status: criteria provided, single submitter. Criteria: Myriad Autosomal Dominant, Autosomal Recessive and X-Linked Classification Criteria (2023). Collection method: clinical testing. Allele origin: unknown.
Comment: This variant is considered pathogenic. This variant creates a frameshift predicted to result in premature protein truncation.

NM_000038.6(APC):c.1141del (p.Ala381fs)

Gene: APC (APC regulator of Wnt signaling pathway; plus strand). Cytogenetic location: 5q22.2.
Variant type: Deletion.
Coding change: c.1141del on transcript NM_000038.6 (MANE Select); coding-DNA position 1141, one base deleted (G; older notation c.1141delG).
Protein change: p.Ala381fs; shifts the reading frame from alanine 381.
Molecular consequence: frameshift variant. On other transcripts: intron variant (4).
Genome position (GRCh38, 1-based): chr5:112,819,173, G deleted; the last of 3 consecutive G bases (chr5:112,819,171-112,819,173); deleting any one gives the same sequence. VCF-style (leftmost placement, unchanged base first): chr5-112819170-CG-C. GRCh37 (hg19) VCF-style: chr5-112154867-CG-C.
Other names: c.1141del, p.Ala381fs (NM_001127510.3, NM_001354895.2, NM_001354896.2); c.1087del, p.Ala363fs (NM_001127511.3); c.1171del, p.Ala391fs (NM_001354897.2); c.1066del, p.Ala356fs (NM_001354898.2); c.1057del, p.Ala353fs (NM_001354899.2); c.964del, p.Ala322fs (NM_001354900.2, NM_001354901.2); c.292del, p.Ala98fs (NM_001354906.2); c.964-96del (NM_001354902.2); and 3 more; short protein forms A353fs, A322fs, A363fs, A381fs, A391fs, A98fs, A356fs.
Identifiers: ClinVar variation 482328 (VCV000482328.7), dbSNP rs1554080036, ClinGen allele CA658655912.